The following is an entry in ClinVar:

ClinVar aggregate classification (germline): Uncertain significance (1 of 4 stars; one submission).

Conditions:
Mucopolysaccharidosis, MPS-IV-A (MPS4A). Also called: Mucopolysaccharidosis type IV A; Mucopolysaccharidosis Type IVA; Morquio syndrome A, mild; MORQUIO SYNDROME A; MPS IVA; mucopolysaccharidosis type 4A. Identifiers: Orphanet 309297, Orphanet 582, MedGen C0086651, MONDO:0009659, OMIM 253000.

gnomAD v4.1: 1 of 1,612,816 alleles (0.000062%); highest among the groups gnomAD compares: East Asian, 0.0022%; no homozygotes.

Submission:

Laboratory of Diagnosis and Therapy of Lysosomal Disorders, University of Padova
Classification: Uncertain significance for Mucopolysaccharidosis, MPS-IV-A. Last evaluated: 2021-02-01. Review status: criteria provided, single submitter. Criteria: ACMG Guidelines, 2015. Collection method: curation. Allele origin: germline. Affected: yes.
Comment: Absent from gnomAD v2.1.1 (PM2_moderate)

Literature cited by the submitters: PubMed 20574428; PubMed 34387910.

NM_000512.5(GALNS):c.1264C>A (p.Gln422Lys)

Gene: GALNS (galactosamine (N-acetyl)-6-sulfatase; minus strand). Cytogenetic location: 16q24.3.
Variant type: single nucleotide variant.
Coding change: c.1264C>A on transcript NM_000512.5 (MANE Select); coding-DNA position 1264, C replaced by A.
Protein change: p.Gln422Lys; replaces glutamine 422 with lysine.
Molecular consequence: missense variant.
Genome position (GRCh38, 1-based): chr16:88,822,689, G>T on the plus strand (C>A on the coding strand, the complement: GALNS is on the minus strand). VCF-style: chr16-88822689-G-T. GRCh37 (hg19) VCF-style: chr16-88889097-G-T.
Other names: c.709C>A, p.Gln237Lys (NM_001323543.2); c.1282C>A, p.Gln428Lys (NM_001323544.2); short protein forms Q237K, Q422K, Q428K.
Identifiers: ClinVar variation 1048498 (VCV001048498.3), dbSNP rs1295162107, ClinGen allele CA397096399.